The following is an entry in ClinVar:

ClinVar aggregate classification (germline): Pathogenic (1 of 4 stars; one submission).

Conditions:
Bardet-Biedl syndrome (BBS). Identifiers: Orphanet 110, MedGen C0752166, MONDO:0015229.

Submission:

Labcorp Genetics (formerly Invitae), Labcorp
Classification: Pathogenic for Bardet-Biedl syndrome. Last evaluated: 2023-02-26. Review status: criteria provided, single submitter. Criteria: Invitae Variant Classification Sherloc (09022015). Collection method: clinical testing. Allele origin: germline.
Comment: This variant is not present in population databases (gnomAD no frequency). This sequence change creates a premature translational stop signal (p.Val389Glnfs*5) in the BBS2 gene. It is expected to result in an absent or disrupted protein product. Loss-of-function variants in BBS2 are known to be pathogenic (PMID: 11285252, 20177705, 24608809, 26518167). This variant has not been reported in the literature in individuals affected with BBS2-related conditions. For these reasons, this variant has been classified as Pathogenic.

Literature cited by the submitters: PubMed 11285252; PubMed 20177705; PubMed 24608809; PubMed 26518167.

NM_031885.5(BBS2):c.1162_1163del (p.Val389fs)

Gene: BBS2 (Bardet-Biedl syndrome 2; minus strand). Cytogenetic location: 16q13.
Variant type: Microsatellite.
Coding change: c.1162_1163del on transcript NM_031885.5 (MANE Select); coding-DNA positions 1162 to 1163, 2 bases deleted (TC; older notation c.1162_1163delTC).
Protein change: p.Val389fs; shifts the reading frame from valine 389.
Molecular consequence: frameshift variant. On other transcripts: non-coding transcript variant (5).
Genome position (GRCh38, 1-based): chr16:56,501,415-56,501,416, GA deleted on the plus strand (TC on the coding strand, the reverse complement: BBS2 is on the minus strand); deleting any 2 consecutive bases within chr16:56,501,415-56,501,419 gives the same sequence; the c. name uses the placement nearest the transcript's 3' end. VCF-style (leftmost placement, unchanged base first): chr16-56501414-TGA-T. GRCh37 (hg19) VCF-style: chr16-56535326-TGA-T.
Other names: c.1162_1163del, p.Val389fs (NM_001377456.1); short protein forms V389fs.
Identifiers: ClinVar variation 2840933 (VCV002840933.3), dbSNP rs2543709238, ClinGen allele CA2739266810.